The following is an entry in ClinVar:

NM_014009.4(FOXP3):c.816+3G>A

Gene: FOXP3 (forkhead box P3; minus strand). Cytogenetic location: Xp11.23.
Variant type: single nucleotide variant.
Coding change: c.816+3G>A on transcript NM_014009.4 (MANE Select); 3 bases into the intron after coding-DNA position 816, G replaced by A.
Molecular consequence: intron variant.
Genome position (GRCh38, 1-based): chrX:49,255,426, C>T on the plus strand (G>A on the coding strand, the complement: FOXP3 is on the minus strand). VCF-style: chrX-49255426-C-T. GRCh37 (hg19) VCF-style: chrX-49111887-C-T.
Other names: c.711+3G>A (NM_001114377.2).
Identifiers: ClinVar variation 2660531 (VCV002660531.24), dbSNP rs2519191543, ClinGen allele CA2693704860.
Genomic context (GRCh38, chrX:49,255,426, plus strand): 5'-GCAGACCTCCTCCCTGCCCCCCAGCAGTCTGAGTCTGCCACCACCAGTCCTGGGGTCGCT[C>T]ACCACAGATGAAGCCTTGGTCAGTGCCATTTTCCCAGCCAGGTGGGCCTGCATGGCACTC-3'

ClinVar aggregate classification (germline): Uncertain significance (1 of 4 stars; one submission).

Allele frequency attached by ClinVar (database versions not stated): gnomAD exomes below 0.00001.
gnomAD v4.1: 1 of 1,202,440 alleles (0.000083%); highest among the groups gnomAD compares: Non-Finnish European, 0.00011%; no homozygotes.

Submission:

CeGaT Center for Human Genetics Tuebingen
Classification: Uncertain significance. Last evaluated: 2023-10-01. Review status: criteria provided, single submitter. Criteria: CeGaT Center For Human Genetics Tuebingen Variant Classification Criteria Version 2. Collection method: clinical testing. Allele origin: germline. Affected: yes. Observed: 1 variant allele.
Comment: FOXP3: PM2, BP4